The following is an entry in ClinVar:

ClinVar aggregate classification (germline): Uncertain significance (1 of 4 stars; one submission).

gnomAD v4.1: 1 of 1,612,824 alleles (0.000062%); highest among the groups gnomAD compares: Non-Finnish European, 0.000085%; no homozygotes.

Submission:

Labcorp Genetics (formerly Invitae), Labcorp
Classification: Uncertain significance. Last evaluated: 2025-03-25. Review status: criteria provided, single submitter. Criteria: Invitae Variant Classification Sherloc (09022015). Collection method: clinical testing. Allele origin: germline.
Comment: This sequence change replaces arginine, which is basic and polar, with cysteine, which is neutral and slightly polar, at codon 114 of the FGF12 protein (p.Arg114Cys). This variant is not present in population databases (gnomAD no frequency). This variant has not been reported in the literature in individuals affected with FGF12-related conditions. Invitae Evidence Modeling of protein sequence and biophysical properties (such as structural, functional, and spatial information, amino acid conservation, physicochemical variation, residue mobility, and thermodynamic stability) indicates that this missense variant is expected to disrupt FGF12 protein function with a positive predictive value of 80%. This variant disrupts the p.Arg114 amino acid residue in FGF12. Other variant(s) that disrupt this residue have been determined to be pathogenic (PMID: 27164707, 27830185, 27872899, 28506426). This suggests that this residue is clinically significant, and that variants that disrupt this residue are likely to be disease-causing. In summary, the available evidence is currently insufficient to determine the role of this variant in disease. Therefore, it has been classified as a Variant of Uncertain Significance.

Literature cited by the submitters: PubMed 27164707; PubMed 27830185; PubMed 27872899; PubMed 28506426.

NM_004113.6(FGF12):c.154C>T (p.Arg52Cys)

Gene: FGF12 (fibroblast growth factor 12; minus strand). Cytogenetic location: 3q28.
Variant type: single nucleotide variant.
Coding change: c.154C>T on transcript NM_004113.6 (MANE Select); coding-DNA position 154, C replaced by T.
Protein change: p.Arg52Cys; replaces arginine 52 with cysteine.
Molecular consequence: missense variant.
Genome position (GRCh38, 1-based): chr3:192,335,435, G>A on the plus strand (C>T on the coding strand, the complement: FGF12 is on the minus strand). VCF-style: chr3-192335435-G-A. GRCh37 (hg19) VCF-style: chr3-192053224-G-A.
Other names: c.43C>T, p.Arg15Cys (NM_001377292.1); c.82C>T, p.Arg28Cys (NM_001377293.1, NM_001377294.1); c.340C>T, p.Arg114Cys (NM_021032.5); short protein forms R15C, R114C, R28C, R52C.
Identifiers: ClinVar variation 4743135 (VCV004743135.1).